The following is an entry in ClinVar:

ClinVar aggregate classification (germline): Pathogenic (1 of 4 stars; one submission).

Submission:

Labcorp Genetics (formerly Invitae), Labcorp
Classification: Pathogenic. Last evaluated: 2023-05-10. Review status: criteria provided, single submitter. Criteria: Invitae Variant Classification Sherloc (09022015). Collection method: clinical testing. Allele origin: germline.
Comment: For these reasons, this variant has been classified as Pathogenic. This variant has not been reported in the literature in individuals affected with TTPA-related conditions. This variant is a gross deletion of the genomic region encompassing exon(s) 1 of the TTPA gene, which includes the initiator codon. This deletion extends beyond the assayed region for this gene and therefore may encompass additional genes. It is expected to result in an absent or disrupted protein product. Loss-of-function variants in TTPA are known to be pathogenic (PMID: 9463307, 26068213).

Literature cited by the submitters: PubMed 9463307; PubMed 26068213.

NC_000008.10:g.(?_63998357)_(63998581_?)del

Gene: TTPA (alpha tocopherol transfer protein; minus strand). Cytogenetic location: 8q12.3.
Variant type: Deletion.
Identifiers: ClinVar variation 2422971 (VCV002422971.5).